The following is an entry in ClinVar:

NM_001035.3(RYR2):c.13226C>G (p.Pro4409Arg)

Genes: RYR2 (ryanodine receptor 2; plus strand), LOC126806068 (BRD4-independent group 4 enhancer GRCh37_chr1:237947411-237948610; plus strand). Cytogenetic location: 1q43.
Variant type: single nucleotide variant.
Coding change: c.13226C>G on transcript NM_001035.3 (MANE Select); coding-DNA position 13226, C replaced by G.
Protein change: p.Pro4409Arg; replaces proline 4409 with arginine.
Molecular consequence: missense variant.
Genome position (GRCh38, 1-based): chr1:237,784,938, C>G. VCF-style: chr1-237784938-C-G. GRCh37 (hg19) VCF-style: chr1-237948238-C-G.
Other names: short protein forms P4409R.
Identifiers: ClinVar variation 3672680 (VCV003672680.2).

ClinVar aggregate classification (germline): Uncertain significance (1 of 4 stars; one submission).

Conditions:
Catecholaminergic polymorphic ventricular tachycardia 1. Also called: VENTRICULAR TACHYCARDIA, CATECHOLAMINERGIC POLYMORPHIC, 1, WITH OR WITHOUT ATRIAL DYSFUNCTION AND/OR DILATED CARDIOMYOPATHY; VENTRICULAR TACHYCARDIA, STRESS-INDUCED POLYMORPHIC 1; RYR2-Related Catecholaminergic Polymorphic Ventricular Tachycardia. Identifiers: Orphanet 3286, MedGen C1631597, MONDO:0011484, OMIM 604772.

Submission:

Labcorp Genetics (formerly Invitae), Labcorp
Classification: Uncertain significance for Catecholaminergic polymorphic ventricular tachycardia 1. Last evaluated: 2024-06-01. Review status: criteria provided, single submitter. Criteria: Invitae Variant Classification Sherloc (09022015). Collection method: clinical testing. Allele origin: germline.
Comment: This sequence change replaces proline, which is neutral and non-polar, with arginine, which is basic and polar, at codon 4409 of the RYR2 protein (p.Pro4409Arg). This variant is not present in population databases (gnomAD no frequency). This variant has not been reported in the literature in individuals affected with RYR2-related conditions. Advanced modeling of protein sequence and biophysical properties (such as structural, functional, and spatial information, amino acid conservation, physicochemical variation, residue mobility, and thermodynamic stability) performed at Invitae indicates that this missense variant is not expected to disrupt RYR2 protein function with a negative predictive value of 95%. In summary, the available evidence is currently insufficient to determine the role of this variant in disease. Therefore, it has been classified as a Variant of Uncertain Significance.